The following is an entry in ClinVar:

ClinVar aggregate classification (germline): Likely benign (1 of 4 stars; one submission).

Allele frequency attached by ClinVar (database versions not stated): gnomAD exomes 0.00013; gnomAD 0.00019; 1000 Genomes Project 30x 0.00172; 1000 Genomes Project 0.00200.
gnomAD v4.1: 62 of 398,284 alleles (0.016%); highest among the groups gnomAD compares: South Asian, 0.42%; no homozygotes.

Submission:

CeGaT Center for Human Genetics Tuebingen
Classification: Likely benign. Last evaluated: 2024-06-01. Review status: criteria provided, single submitter. Criteria: CeGaT Center For Human Genetics Tuebingen Variant Classification Criteria Version 2. Collection method: clinical testing. Allele origin: germline. Affected: yes. Observed: 2 variant alleles.
Comment: RB1: BP4

NM_000321.3(RB1):c.265-9576C>T

Gene: RB1 (RB transcriptional corepressor 1; plus strand). Cytogenetic location: 13q14.2.
Variant type: single nucleotide variant.
Coding change: c.265-9576C>T on transcript NM_000321.3 (MANE Select); 9576 bases into the intron before coding-DNA position 265, C replaced by T.
Molecular consequence: intron variant. On other transcripts: missense variant (1).
Genome position (GRCh38, 1-based): chr13:48,333,023, C>T. VCF-style: chr13-48333023-C-T. GRCh37 (hg19) VCF-style: chr13-48907159-C-T.
Other names: c.271C>T, p.Arg91Cys (NM_001407167.1); c.265-9576C>T (NM_001407165.1, NM_001407166.1); short protein forms R91C.
Identifiers: ClinVar variation 2570864 (VCV002570864.27), dbSNP rs559042894, ClinGen allele CA249845135.